The following is an entry in ClinVar:

NM_001854.4(COL11A1):c.4176C>A (p.Thr1392=)

Gene: COL11A1 (collagen type XI alpha 1 chain; minus strand). Cytogenetic location: 1p21.1.
Variant type: single nucleotide variant.
Coding change: c.4176C>A on transcript NM_001854.4 (MANE Select); coding-DNA position 4176, C replaced by A.
Protein change: p.Thr1392=; no amino-acid change (threonine 1392 retained).
Molecular consequence: synonymous variant. On other transcripts: non-coding transcript variant (1).
Genome position (GRCh38, 1-based): chr1:102,898,738, G>T on the plus strand (C>A on the coding strand, the complement: COL11A1 is on the minus strand). VCF-style: chr1-102898738-G-T. GRCh37 (hg19) VCF-style: chr1-103364294-G-T.
Other names: c.4176C>A (NM_001854.3); c.4059C>A, p.Thr1353= (NM_001190709.2); c.4212C>A, p.Thr1404= (NM_080629.3); c.3828C>A, p.Thr1276= (NM_080630.4).
Identifiers: ClinVar variation 1495389 (VCV001495389.30), dbSNP rs750903509, ClinGen allele CA973641.

ClinVar aggregate classification (germline): Likely benign. Review status: criteria provided, multiple submitters, no conflicts (2 of 4 stars). 5 submissions from 5 submitters: Likely benign (4). 1 of the submissions does not count toward it. Last evaluated 2026-01-11.

Conditions:
COL11A1-related disorder. Also called: COL11A1-related condition; COL11A1-related disorders.

Allele frequency attached by ClinVar (database versions not stated): gnomAD 0.00002 and 0.00003.
gnomAD v4.1: 90 of 1,612,838 alleles (0.0056%); highest among the groups gnomAD compares: Middle Eastern, 0.049%; 1 homozygote.

Submissions (5):

Labcorp Genetics (formerly Invitae), Labcorp
Classification: Likely benign. Last evaluated: 2026-01-11. Review status: criteria provided, single submitter. Criteria: Invitae Variant Classification Sherloc (09022015). Collection method: clinical testing. Allele origin: germline.

CeGaT Center for Human Genetics Tuebingen
Classification: Likely benign. Last evaluated: 2024-01-01. Review status: criteria provided, single submitter. Criteria: CeGaT Center For Human Genetics Tuebingen Variant Classification Criteria Version 2. Collection method: clinical testing. Allele origin: germline. Affected: yes. Observed: 1 variant allele.
Comment: COL11A1: BP4, BP7

ARUP Laboratories, Molecular Genetics and Genomics, ARUP Laboratories
Classification: Likely benign. Last evaluated: 2023-06-13. Review status: criteria provided, single submitter. Criteria: ARUP Molecular Germline Variant Investigation Process 2024. Collection method: clinical testing. Allele origin: germline.

Blueprint Genetics
Classification: Likely benign. Last evaluated: 2020-07-13. Review status: criteria provided, single submitter. Criteria: ACMG Guidelines, 2015. Collection method: clinical testing. Allele origin: germline.

PreventionGenetics, part of Exact Sciences
Classification: Likely benign for COL11A1-related condition. Last evaluated: 2020-07-14. Review status: no assertion criteria provided. Collection method: clinical testing. Allele origin: germline. Not counted in ClinVar's aggregate classification.
Comment: This variant is classified as likely benign based on ACMG/AMP sequence variant interpretation guidelines (Richards et al. 2015 PMID: 25741868, with internal and published modifications).